The following is an entry in ClinVar:

ClinVar aggregate classification (germline): Uncertain significance (1 of 4 stars; one submission).

Conditions:
Brugada syndrome. Also called: Sudden unexpected nocturnal death syndrome; Sudden unexplained nocturnal death syndrome; Sudden Unexplained Death Syndrome; Sudden Unexplained Nocturnal Death Syndrome (SUNDS). Identifiers: Orphanet 130, MedGen C1142166, MONDO:0015263.

Allele frequency attached by ClinVar (database versions not stated): gnomAD exomes below 0.00001.
gnomAD v4.1: 1 of 1,557,936 alleles (0.000064%); highest among the groups gnomAD compares: Non-Finnish European, 0.000087%; no homozygotes.

Submission:

Labcorp Genetics (formerly Invitae), Labcorp
Classification: Uncertain significance for Brugada syndrome. Last evaluated: 2019-05-07. Review status: criteria provided, single submitter. Criteria: Invitae Variant Classification Sherloc (09022015). Collection method: clinical testing. Allele origin: germline.
Comment: This sequence change replaces glycine with arginine at codon 14 of the GPD1L protein (p.Gly14Arg). The glycine residue is moderately conserved and there is a moderate physicochemical difference between glycine and arginine. This variant is not present in population databases (ExAC no frequency). This variant has not been reported in the literature in individuals with GPD1L-related disease. Algorithms developed to predict the effect of missense changes on protein structure and function do not agree on the potential impact of this missense change (SIFT: "Tolerated"; PolyPhen-2: "Possibly Damaging"; Align-GVGD: "Class C0"). In summary, the available evidence is currently insufficient to determine the role of this variant in disease. Therefore, it has been classified as a Variant of Uncertain Significance.

NM_015141.4(GPD1L):c.40G>A (p.Gly14Arg)

Genes: GPD1L (glycerol-3-phosphate dehydrogenase 1 like; plus strand), LOC129936414 (ATAC-STARR-seq lymphoblastoid silent region 14165; plus strand). Cytogenetic location: 3p22.3.
Variant type: single nucleotide variant.
Coding change: c.40G>A on transcript NM_015141.4 (MANE Select); coding-DNA position 40, G replaced by A.
Protein change: p.Gly14Arg; replaces glycine 14 with arginine.
Molecular consequence: missense variant.
Genome position (GRCh38, 1-based): chr3:32,106,751, G>A. VCF-style: chr3-32106751-G-A. GRCh37 (hg19) VCF-style: chr3-32148243-G-A.
Other names: short protein forms G14R.
Identifiers: ClinVar variation 578277 (VCV000578277.8), dbSNP rs1559565644, ClinGen allele CA351970270.